The following is an entry in ClinVar:

NM_001114753.3(ENG):c.219+5G>T

Gene: ENG (endoglin; minus strand). Cytogenetic location: 9q34.11.
Variant type: single nucleotide variant.
Coding change: c.219+5G>T on transcript NM_001114753.3 (MANE Select); 5 bases into the intron after coding-DNA position 219, G replaced by T.
Molecular consequence: intron variant.
Genome position (GRCh38, 1-based): chr9:127,843,089, C>A on the plus strand (G>T on the coding strand, the complement: ENG is on the minus strand). VCF-style: chr9-127843089-C-A. GRCh37 (hg19) VCF-style: chr9-130605368-C-A.
Other names: c.219+5G>T (NM_000118.4, NM_001406715.1); c.-328+5G>T (NM_001278138.2).
Identifiers: ClinVar variation 1024809 (VCV001024809.10), dbSNP rs1554812252, ClinGen allele CA1879999041.

ClinVar aggregate classification (germline): Uncertain significance (1 of 4 stars; one submission).

Conditions:
Hereditary hemorrhagic telangiectasia (HHT). Also called: Osler hemorrhagic telangiectasia syndrome; ORW DISEASE; Osler Weber Rendu syndrome; OSLER-RENDU-WEBER DISEASE. Identifiers: Orphanet 774, MedGen C0039445, MONDO:0019180. Disease mechanism: loss of function.

Submission:

Labcorp Genetics (formerly Invitae), Labcorp
Classification: Uncertain significance for Hereditary hemorrhagic telangiectasia. Last evaluated: 2020-08-28. Review status: criteria provided, single submitter. Criteria: Invitae Variant Classification Sherloc (09022015). Collection method: clinical testing. Allele origin: germline.
Comment: In summary, the available evidence is currently insufficient to determine the role of this variant in disease. Therefore, it has been classified as a Variant of Uncertain Significance. Nucleotide substitutions within the consensus splice site are a relatively common cause of aberrant splicing (PMID: 17576681, 9536098). Algorithms developed to predict the effect of sequence changes on RNA splicing suggest that this variant may disrupt the consensus splice site, but this prediction has not been confirmed by published transcriptional studies. This variant has been observed in individual(s) with clinical features of hereditary hemorrhagic telangiectasia (Invitae). This variant is not present in population databases (ExAC no frequency). This sequence change falls in intron 2 of the ENG gene. It does not directly change the encoded amino acid sequence of the ENG protein, but it affects a nucleotide within the consensus splice site of the intron.

Literature cited by the submitters: PubMed 17576681; PubMed 9536098.